The following is an entry in ClinVar:

NM_004187.5(KDM5C):c.2662C>T (p.Arg888Cys)

Gene: KDM5C (lysine demethylase 5C; minus strand). Cytogenetic location: Xp11.22.
Variant type: single nucleotide variant.
Coding change: c.2662C>T on transcript NM_004187.5 (MANE Select); coding-DNA position 2662, C replaced by T.
Protein change: p.Arg888Cys; replaces arginine 888 with cysteine.
Molecular consequence: missense variant. On other transcripts: non-coding transcript variant (3).
Genome position (GRCh38, 1-based): chrX:53,197,005, G>A on the plus strand (C>T on the coding strand, the complement: KDM5C is on the minus strand). VCF-style: chrX-53197005-G-A. GRCh37 (hg19) VCF-style: chrX-53226187-G-A.
Other names: c.2461C>T, p.Arg821Cys (NM_001146702.2); c.2659C>T, p.Arg887Cys (NM_001282622.3, NM_001353979.2, NM_001353982.2); c.2662C>T, p.Arg888Cys (NM_001353978.3, NM_001353981.2, NM_001353984.2); short protein forms R888C, R887C, R821C.
Identifiers: ClinVar variation 94875 (VCV000094875.9), dbSNP rs376775932, ClinGen allele CA147874.
Genomic context (GRCh38, chrX:53,197,005, plus strand): 5'-CCCTCTCCAACAGGGACTGCAGTAGCCCTGGACTGGAGGGCAGTGAGGCCAGGGCCTCAC[G>A]AGCCTCAGCCTGGTAGGCCTCCACCTGTTCCAGAACACCCTACCAGGACACAGGATGAAG-3'
Protein context (NP_004178.2, residues 878-898): EQVEAYQAEA[Arg888Cys]EALASLPSSP

ClinVar aggregate classification (germline): Conflicting classifications of pathogenicity. Review status: criteria provided, conflicting classifications (1 of 4 stars). 3 submissions from 3 submitters: Uncertain significance (1); Likely benign (2). Last evaluated 2025-01-17.

Conditions:
Spastic paraplegia. Identifiers: MedGen C0037772, HP:0001258.

Allele frequency attached by ClinVar (database versions not stated): TOPMed 0.00002; gnomAD exomes 0.00005 and 0.00001; gnomAD 0.00003 and 0.00002; ExAC below 0.00001.
gnomAD v4.1: 52 of 1,191,483 alleles (0.0044%); highest among the groups gnomAD compares: African/African-American, 0.0053%; 1 homozygote.

Submissions (3):

Labcorp Genetics (formerly Invitae), Labcorp
Classification: Uncertain significance for Spastic paraplegia. Last evaluated: 2025-01-17. Review status: criteria provided, single submitter. Criteria: Invitae Variant Classification Sherloc (09022015). Collection method: clinical testing. Allele origin: germline.
Comment: This sequence change replaces arginine, which is basic and polar, with cysteine, which is neutral and slightly polar, at codon 888 of the KDM5C protein (p.Arg888Cys). The frequency data for this variant in the population databases is considered unreliable, as metrics indicate poor data quality at this position in the gnomAD database. This variant has not been reported in the literature in individuals affected with KDM5C-related conditions. ClinVar contains an entry for this variant (Variation ID: 94875). Invitae Evidence Modeling of protein sequence and biophysical properties (such as structural, functional, and spatial information, amino acid conservation, physicochemical variation, residue mobility, and thermodynamic stability) indicates that this missense variant is not expected to disrupt KDM5C protein function with a negative predictive value of 95%. In summary, the available evidence is currently insufficient to determine the role of this variant in disease. Therefore, it has been classified as a Variant of Uncertain Significance.

Blueprint Genetics
Classification: Likely benign. Last evaluated: 2022-12-27. Review status: criteria provided, single submitter. Criteria: ACMG Guidelines, 2015. Collection method: clinical testing. Allele origin: germline.

Eurofins Ntd Llc (ga)
Classification: Likely benign. Last evaluated: 2014-11-14. Review status: criteria provided, single submitter. Criteria: EGL Classification Definitions 2015. Collection method: clinical testing. Allele origin: germline. Observed: 2 variant alleles, 1 heterozygote, 1 homozygote.